The following is an entry in ClinVar:

ClinVar aggregate classification (germline): Uncertain significance (1 of 4 stars; one submission).

Allele frequency attached by ClinVar (database versions not stated): TOPMed 0.00003; gnomAD 0.00009.
gnomAD v4.1: 115 of 1,612,564 alleles (0.0071%); highest among the groups gnomAD compares: Admixed American, 0.005%; no homozygotes.

Submission:

Labcorp Genetics (formerly Invitae), Labcorp
Classification: Uncertain significance. Last evaluated: 2024-10-30. Review status: criteria provided, single submitter. Criteria: Invitae Variant Classification Sherloc (09022015). Collection method: clinical testing. Allele origin: germline.
Comment: This sequence change replaces valine, which is neutral and non-polar, with isoleucine, which is neutral and non-polar, at codon 521 of the CDT1 protein (p.Val521Ile). This variant is present in population databases (rs769331060, gnomAD 0.07%). This variant has not been reported in the literature in individuals affected with CDT1-related conditions. ClinVar contains an entry for this variant (Variation ID: 2056573). An algorithm developed to predict the effect of missense changes on protein structure and function outputs the following: PolyPhen-2: "Benign". The isoleucine amino acid residue is found in multiple mammalian species, which suggests that this missense change does not adversely affect protein function. In summary, the available evidence is currently insufficient to determine the role of this variant in disease. Therefore, it has been classified as a Variant of Uncertain Significance.

NM_030928.4(CDT1):c.1561G>A (p.Val521Ile)

Gene: CDT1 (chromatin licensing and DNA replication factor 1; plus strand). Cytogenetic location: 16q24.3.
Variant type: single nucleotide variant.
Coding change: c.1561G>A on transcript NM_030928.4 (MANE Select); coding-DNA position 1561, G replaced by A.
Protein change: p.Val521Ile; replaces valine 521 with isoleucine.
Molecular consequence: missense variant.
Genome position (GRCh38, 1-based): chr16:88,808,198, G>A. VCF-style: chr16-88808198-G-A. GRCh37 (hg19) VCF-style: chr16-88874606-G-A.
Other names: short protein forms V521I.
Identifiers: ClinVar variation 2056573 (VCV002056573.4), dbSNP rs769331060, ClinGen allele CA8234238.